The following is an entry in ClinVar:

ClinVar aggregate classification (germline): Likely pathogenic. Review status: criteria provided, multiple submitters, no conflicts (2 of 4 stars). 2 submissions from 2 submitters: Likely pathogenic (2). Last evaluated 2024-03-28.

Conditions:
Developmental and epileptic encephalopathy, 50 (DEE50). Also called: Epileptic encephalopathy, early infantile, 50. Identifiers: Orphanet 448010, MedGen C4225320, MONDO:0014647, OMIM 616457.

Submissions (2):

Fulgent Genetics
Classification: Likely pathogenic for Developmental and epileptic encephalopathy, 50. Last evaluated: 2024-03-28. Review status: criteria provided, single submitter. Criteria: ACMG Guidelines, 2015. Collection method: clinical testing. Allele origin: germline.

Greenwood Genetic Center Diagnostic Laboratories, Greenwood Genetic Center
Classification: Likely pathogenic. Last evaluated: 2020-07-23. Review status: criteria provided, single submitter. Criteria: ACMG Guidelines, 2015. Collection method: clinical testing. Allele origin: germline. Affected: yes.
Comment: PVS1, PM2

NM_004341.5(CAD):c.4810C>T (p.Gln1604Ter)

Gene: CAD (carbamoyl-phosphate synthetase 2, aspartate transcarbamylase, and dihydroorotase; plus strand). Cytogenetic location: 2p23.3.
Variant type: single nucleotide variant.
Coding change: c.4810C>T on transcript NM_004341.5 (MANE Select); coding-DNA position 4810, C replaced by T.
Protein change: p.Gln1604Ter; replaces glutamine 1604 with a stop codon.
Molecular consequence: nonsense.
Genome position (GRCh38, 1-based): chr2:27,238,137, C>T. VCF-style: chr2-27238137-C-T. GRCh37 (hg19) VCF-style: chr2-27461005-C-T.
Other names: c.4621C>T, p.Gln1541Ter (NM_001306079.2); short protein forms Q1541*, Q1604*.
Identifiers: ClinVar variation 977206 (VCV000977206.4), dbSNP rs1676113645, ClinGen allele CA346221494.